The following is an entry in ClinVar:

ClinVar aggregate classification (germline): Pathogenic (1 of 4 stars; one submission).

Submission:

Quest Diagnostics Nichols Institute San Juan Capistrano
Classification: Pathogenic. Last evaluated: 2022-07-11. Review status: criteria provided, single submitter. Criteria: ACMG/ClinGen CNV Guidelines, 2019. Collection method: clinical testing. Allele origin: unknown.
Comment: The copy number loss of 2p16.3 includes several exons from the 5' region of the NRXN1 gene (OMIM 600565). Heterozygous exonic deletions of NRXN1 are associated with a wide spectrum of neurodevelopmental and neuropsychiatric disorders. See reviews in Fuccillo and Pak 2021; Castronovo 2020; Cosemans 2020. Deletions of the 5' region of NRXN1 are enriched in patients with neurodevelopmental disorders versus controls (Lowther 2017). However, there is evidence for reduced penetrance (Cosemans 2020, Lowther 2017; Al Shehhi 2019). The current deletion overlaps losses reported in the general populations in the Database of Genomic Variants. Thus, this copy number variant is interpreted as pathogenic with incomplete penetrance and variable expressivity. References: Fuccillo and Pak. Curr Opin Genet Dev 2021 Jun;68:64-70 PMID:33756113 Castronovo et al. Clin Genet 2020 97:125137 PMID:30873608 Cosem ans et al. J Med Genet 2020 May;57(5):347-355 PMID:31932357 Lowther et al. Genet Med. 2017 Jan;19(1):53-61. PMID: 27195815 Al Shehhi et al. Eur J Med Genet 2019 Mar;62(3):204-209 PMID:30031152

GRCh37/hg19 2p16.3(chr2:50975816-51411126)x1

Gene: NRXN1 (neurexin 1; minus strand). Cytogenetic location: 2p16.3.
Variant type: copy number loss.
Change: copy number 1 (one copy instead of two) of chr2:50,975,816-51,411,126 (435.3 kb, GRCh37 coordinates, 1-based), cytogenetic band 2p16.3.
Identifiers: ClinVar variation 2684520 (VCV002684520.1).